The following is an entry in ClinVar:

ClinVar aggregate classification (germline): Pathogenic (1 of 4 stars; one submission).

Conditions:
Polyglandular autoimmune syndrome, type 1 (APS1). Also called: PGA I; HYPOADRENOCORTICISM WITH HYPOPARATHYROIDISM AND SUPERFICIAL MONILIASIS; Autoimmune polyendocrine syndrome type 1; AUTOIMMUNE POLYENDOCRINE SYNDROME, TYPE I, WITH OR WITHOUT REVERSIBLE METAPHYSEAL DYSPLASIA; Whitaker syndrome; Autoimmune polyendocrinopathy syndrome, type I. Identifiers: Orphanet 3453, MedGen C0085859, MONDO:0009411, OMIM 240300.

Submission:

Labcorp Genetics (formerly Invitae), Labcorp
Classification: Pathogenic for Polyglandular autoimmune syndrome, type 1. Last evaluated: 2021-01-18. Review status: criteria provided, single submitter. Criteria: Invitae Variant Classification Sherloc (09022015). Collection method: clinical testing. Allele origin: germline.
Comment: This sequence change creates a premature translational stop signal (p.Pro405Argfs*75) in the AIRE gene. It is expected to result in an absent or disrupted protein product. Loss-of-function variants in AIRE are known to be pathogenic (PMID: 11524731, 26141571). This variant is not present in population databases (ExAC no frequency). This variant has been observed in individual(s) with autoimmune polyendocrinopathy with candidiasis and ectodermal dysplasia (APECED) (PMID: 23000069). For these reasons, this variant has been classified as Pathogenic.

Literature cited by the submitters: PubMed 11524731; PubMed 26141571; PubMed 23000069.

NM_000383.4(AIRE):c.1214del (p.Pro405fs)

Gene: AIRE (autoimmune regulator; plus strand). Cytogenetic location: 21q22.3.
Variant type: Deletion.
Coding change: c.1214del on transcript NM_000383.4 (MANE Select); coding-DNA position 1214, one base deleted (C; older notation c.1214delC).
Protein change: p.Pro405fs; shifts the reading frame from proline 405.
Molecular consequence: frameshift variant.
Genome position (GRCh38, 1-based): chr21:44,293,111, C deleted; the last of 4 consecutive C bases (chr21:44,293,108-44,293,111); deleting any one gives the same sequence. VCF-style (leftmost placement, unchanged base first): chr21-44293107-GC-G. GRCh37 (hg19) VCF-style: chr21-45712990-GC-G.
Other names: short protein forms P405fs.
Identifiers: ClinVar variation 1455222 (VCV001455222.8), dbSNP rs2040560523, ClinGen allele CA2391568622.